The following is an entry in ClinVar:

NM_000540.3(RYR1):c.2890T>C (p.Tyr964His)

Gene: RYR1 (ryanodine receptor 1; plus strand). Cytogenetic location: 19q13.2.
Variant type: single nucleotide variant.
Coding change: c.2890T>C on transcript NM_000540.3 (MANE Select); coding-DNA position 2890, T replaced by C.
Protein change: p.Tyr964His; replaces tyrosine 964 with histidine.
Molecular consequence: missense variant.
Genome position (GRCh38, 1-based): chr19:38,466,110, T>C. VCF-style: chr19-38466110-T-C. GRCh37 (hg19) VCF-style: chr19-38956750-T-C.
Other names: c.2890T>C, p.Tyr964His (NM_001042723.2); short protein forms Y964H.
Identifiers: ClinVar variation 2982061 (VCV002982061.3), dbSNP rs763821859, ClinGen allele CA405634653.

ClinVar aggregate classification (germline): Uncertain significance (1 of 4 stars; one submission).

Conditions:
RYR1-related disorder. Also called: RYR1-related condition; RYR1-related disorders. Identifiers: MedGen CN239331.

gnomAD v4.1: 1 of 1,611,262 alleles (0.000062%); no homozygotes.

Submission:

Labcorp Genetics (formerly Invitae), Labcorp
Classification: Uncertain significance for RYR1-related disorder. Last evaluated: 2024-07-17. Review status: criteria provided, single submitter. Criteria: Invitae Variant Classification Sherloc (09022015). Collection method: clinical testing. Allele origin: germline.
Comment: This sequence change replaces tyrosine, which is neutral and polar, with histidine, which is basic and polar, at codon 964 of the RYR1 protein (p.Tyr964His). This variant is not present in population databases (gnomAD no frequency). This variant has not been reported in the literature in individuals affected with RYR1-related conditions. Advanced modeling of protein sequence and biophysical properties (such as structural, functional, and spatial information, amino acid conservation, physicochemical variation, residue mobility, and thermodynamic stability) performed at Invitae indicates that this missense variant is expected to disrupt RYR1 protein function with a positive predictive value of 95%. In summary, the available evidence is currently insufficient to determine the role of this variant in disease. Therefore, it has been classified as a Variant of Uncertain Significance.